The following is an entry in ClinVar:

ClinVar aggregate classification (germline): Uncertain significance (1 of 4 stars; one submission).

Allele frequency attached by ClinVar (database versions not stated): gnomAD exomes below 0.00001 and 0.00002; gnomAD 0.00001; TOPMed 0.00002; ESP Exome Variant Server 0.00008.
gnomAD v4.1: 31 of 1,598,592 alleles (0.0019%); highest among the groups gnomAD compares: Non-Finnish European, 0.0026%; no homozygotes.

Submission:

Labcorp Genetics (formerly Invitae), Labcorp
Classification: Uncertain significance. Last evaluated: 2021-04-17. Review status: criteria provided, single submitter. Criteria: Invitae Variant Classification Sherloc (09022015). Collection method: clinical testing. Allele origin: germline.
Comment: This sequence change falls in intron 67 of the SZT2 gene. It does not directly change the encoded amino acid sequence of the SZT2 protein. It affects a nucleotide within the consensus splice site of the intron. This variant is not present in population databases (ExAC no frequency). This variant has not been reported in the literature in individuals with SZT2-related conditions. Nucleotide substitutions within the consensus splice site are a relatively common cause of aberrant splicing (PMID: 17576681, 9536098). Algorithms developed to predict the effect of sequence changes on RNA splicing suggest that this variant is not likely to affect RNA splicing, but this prediction has not been confirmed by published transcriptional studies. In summary, the available evidence is currently insufficient to determine the role of this variant in disease. Therefore, it has been classified as a Variant of Uncertain Significance.

Literature cited by the submitters: PubMed 17576681; PubMed 9536098.

NM_001365999.1(SZT2):c.9564-3C>T

Genes: SZT2 (SZT2 subunit of KICSTOR complex; plus strand), SZT2-AS1 (SZT2 antisense RNA 1; minus strand). Cytogenetic location: 1p34.2.
Variant type: single nucleotide variant.
Coding change: c.9564-3C>T on transcript NM_001365999.1 (MANE Select); 3 bases into the intron before coding-DNA position 9564, C replaced by T.
Molecular consequence: intron variant.
Genome position (GRCh38, 1-based): chr1:43,448,076, C>T. VCF-style: chr1-43448076-C-T. GRCh37 (hg19) VCF-style: chr1-43913747-C-T.
Other names: c.9393-3C>T (NM_015284.4).
Identifiers: ClinVar variation 1396160 (VCV001396160.3), dbSNP rs370717719, ClinGen allele CA21653041.
Genomic context (GRCh38, chr1:43,448,076, plus strand): 5'-CCCACCCTGCCCTGTGTGTCTCTTGCTACAACCACCACTCTCCTGCCCTGCTCCCCACCC[C>T]AGGCTACAGTTCTTCGTGGTGCTCACCAGCCAGCGAGAGCTCTTCCCCAGGCTCACTGCT-3'